The following is an entry in ClinVar:

ClinVar aggregate classification (germline): Uncertain significance (1 of 4 stars; one submission).

Submission:

GeneDx
Classification: Uncertain significance. Last evaluated: 2026-02-05. Review status: criteria provided, single submitter. Criteria: GeneDx Variant Classification Process June 2021. Collection method: clinical testing. Allele origin: germline.
Comment: Not observed at significant frequency in large population cohorts (gnomAD); In silico analysis suggests that this missense variant does not alter protein structure/function; Has not been previously published as pathogenic or benign to our knowledge; This variant is associated with the following publications: (PMID: 24282183)

NM_017739.4(POMGNT1):c.502G>A (p.Ala168Thr)

Genes: POMGNT1 (protein O-linked mannose N-acetylglucosaminyltransferase 1 (beta 1,2-); minus strand), TSPAN1 (tetraspanin 1; plus strand). Cytogenetic location: 1p34.1.
Variant type: single nucleotide variant.
Coding change: c.502G>A on transcript NM_017739.4 (MANE Select); coding-DNA position 502, G replaced by A.
Protein change: p.Ala168Thr; replaces alanine 168 with threonine.
Molecular consequence: missense variant.
Genome position (GRCh38, 1-based): chr1:46,195,843, C>T on the plus strand (G>A on the coding strand, the complement: POMGNT1 is on the minus strand). VCF-style: chr1-46195843-C-T. GRCh37 (hg19) VCF-style: chr1-46661515-C-T.
Other names: c.502G>A, p.Ala168Thr (NM_001243766.2, NM_001410783.1, NM_001437653.1 and 3 more transcripts); c.436G>A, p.Ala146Thr (NM_001290129.3, NM_001438691.1, NM_001438692.1); c.73G>A, p.Ala25Thr (NM_001290130.2); short protein forms A146T, A168T, A25T.
Identifiers: ClinVar variation 4976039 (VCV004976039.1).